The following is an entry in ClinVar:

NM_000439.5(PCSK1):c.794G>A (p.Ser265Asn)

Genes: CAST (calpastatin; plus strand), PCSK1 (proprotein convertase subtilisin/kexin type 1; minus strand), LOC101929710 (uncharacterized LOC101929710; plus strand). Cytogenetic location: 5q15.
Variant type: single nucleotide variant.
Coding change: c.794G>A on transcript NM_000439.5 (MANE Select); coding-DNA position 794, G replaced by A.
Protein change: p.Ser265Asn; replaces serine 265 with asparagine.
Molecular consequence: missense variant. On other transcripts: intron variant (11).
Genome position (GRCh38, 1-based): chr5:96,412,406, C>T on the plus strand (G>A on the coding strand, the complement: PCSK1 is on the minus strand). VCF-style: chr5-96412406-C-T. GRCh37 (hg19) VCF-style: chr5-95748110-C-T.
Other names: c.653G>A, p.Ser218Asn (NM_001177875.2); c.-175+32754C>T (NM_001423254.1, NM_001423259.1, NM_001423255.1 and 6 more transcripts); c.-103+32754C>T (NM_001423253.1); c.-40+32754C>T (NM_001423258.1); short protein forms S265N, S218N.
Identifiers: ClinVar variation 4985139 (VCV004985139.1).
Genomic context (GRCh38, chr5:96,412,406, plus strand): 5'-TGGGCTAGCCGGCCAGGCCCCTCCACAGTTTTCCCATCATCATTAGGGCCCCAGCTTGCA[C>T]TGTAAATATCCACGTGTCCAGGATTGAATCCAATTGAACTGGCCTCAATAGCATCCGTCA-3'
Protein context (NP_000430.3, residues 255-275): GFNPGHVDIY[Ser265Asn]ASWGPNDDGK

ClinVar aggregate classification (germline): Likely pathogenic (1 of 4 stars; one submission).

Conditions:
PCSK1-related disorder. Also called: PCSK1-related condition.

gnomAD v4.1: 3 of 1,614,090 alleles (0.00019%); highest among the groups gnomAD compares: Non-Finnish European, 0.00017%; no homozygotes.

Submission:

PreventionGenetics, part of Exact Sciences
Classification: Likely pathogenic for PCSK1-related condition. Last evaluated: 2024-10-25. Review status: criteria provided, single submitter. Criteria: ACMG Guidelines, 2015. Collection method: clinical testing. Allele origin: germline.
Comment: The PCSK1 c.794G>A variant is predicted to result in the amino acid substitution p.Ser265Asn. This variant was observed in a cohort of obese individuals, and in vitro functional studies show strong evidence of loss of function (Supplemental Data Set, Shah et al. 2023, PubMed ID: 36864747). This variant is absent in a large population database (gnomAD), indicating it is rare. This variant is interpreted as likely pathogenic.